The following is an entry in ClinVar:

ClinVar aggregate classification (germline): Uncertain significance (1 of 4 stars; one submission).

Conditions:
Combined immunodeficiency due to LRBA deficiency. Also called: Common variable immunodeficiency 8, with autoimmunity. Identifiers: Orphanet 445018, MedGen C3553512, MONDO:0013863, OMIM 614700.

Allele frequency attached by ClinVar (database versions not stated): gnomAD exomes 0.00002; TOPMed 0.00003.
gnomAD v4.1: 26 of 1,613,586 alleles (0.0016%); highest among the groups gnomAD compares: Non-Finnish European, 0.0022%; no homozygotes.

Submission:

Labcorp Genetics (formerly Invitae), Labcorp
Classification: Uncertain significance for Combined immunodeficiency due to LRBA deficiency. Last evaluated: 2021-08-27. Review status: criteria provided, single submitter. Criteria: Invitae Variant Classification Sherloc (09022015). Collection method: clinical testing. Allele origin: germline.
Comment: This sequence change replaces isoleucine with threonine at codon 1101 of the LRBA protein (p.Ile1101Thr). The isoleucine residue is weakly conserved and there is a moderate physicochemical difference between isoleucine and threonine. This variant is not present in population databases (ExAC no frequency). This variant has not been reported in the literature in individuals affected with LRBA-related conditions. Algorithms developed to predict the effect of missense changes on protein structure and function output the following: SIFT: "Tolerated"; PolyPhen-2: "Benign"; Align-GVGD: "Class C0". The threonine amino acid residue is found in multiple mammalian species, which suggests that this missense change does not adversely affect protein function. In summary, the available evidence is currently insufficient to determine the role of this variant in disease. Therefore, it has been classified as a Variant of Uncertain Significance.

NM_001364905.1(LRBA):c.3302T>C (p.Ile1101Thr)

Gene: LRBA (LPS responsive beige-like anchor protein; minus strand). Cytogenetic location: 4q31.3.
Variant type: single nucleotide variant.
Coding change: c.3302T>C on transcript NM_001364905.1 (MANE Select); coding-DNA position 3302, T replaced by C.
Protein change: p.Ile1101Thr; replaces isoleucine 1101 with threonine.
Molecular consequence: missense variant.
Genome position (GRCh38, 1-based): chr4:150,852,408, A>G on the plus strand (T>C on the coding strand, the complement: LRBA is on the minus strand). VCF-style: chr4-150852408-A-G. GRCh37 (hg19) VCF-style: chr4-151773560-A-G.
Other names: c.3302T>C, p.Ile1101Thr (NM_001199282.3, NM_001367550.1, NM_006726.5); short protein forms I1101T.
Identifiers: ClinVar variation 1042815 (VCV001042815.6), dbSNP rs879340662, ClinGen allele CA107814300.
Genomic context (GRCh38, chr4:150,852,408, plus strand): 5'-TCAGTAGGACTGCCTTCTACTTTCAGTTCCACATAATCATCATCTTCCTCTTCCTCTACT[A>G]TAGATTTATCCAAGAATTCTGGCATCTCTGAGGCATCCTCTTCTGAAGGAGAACTTATAG-3'
Protein context (NP_001351834.1, residues 1091-1111): SEMPEFLDKS[Ile1101Thr]VEEEEDDDYV